The following is an entry in ClinVar:

NM_004415.4(DSP):c.7541C>T (p.Ser2514Phe)

Gene: DSP (desmoplakin; plus strand). Cytogenetic location: 6p24.3.
Variant type: single nucleotide variant.
Coding change: c.7541C>T on transcript NM_004415.4 (MANE Select); coding-DNA position 7541, C replaced by T.
Protein change: p.Ser2514Phe; replaces serine 2514 with phenylalanine.
Molecular consequence: missense variant.
Genome position (GRCh38, 1-based): chr6:7,584,803, C>T. VCF-style: chr6-7584803-C-T. GRCh37 (hg19) VCF-style: chr6-7585036-C-T.
Other names: c.5744C>T, p.Ser1915Phe (NM_001008844.3); c.6212C>T, p.Ser2071Phe (NM_001319034.2); short protein forms S1915F, S2514F, S2071F.
Identifiers: ClinVar variation 2953050 (VCV002953050.3), dbSNP rs144377593, ClinGen allele CA050025.

ClinVar aggregate classification (germline): Uncertain significance (1 of 4 stars; one submission).

Conditions:
Arrhythmogenic cardiomyopathy with wooly hair and keratoderma. Also called: PALMOPLANTAR KERATODERMA WITH LEFT VENTRICULAR CARDIOMYOPATHY AND WOOLLY HAIR; Carvajal syndrome; Arrhythmogenic cardiomyopathy with woolly hair and keratoderma; Dilated cardiomyopathy with woolly hair and keratoderma. Identifiers: Orphanet 65282, MedGen C1854063, MONDO:0011581, OMIM 605676.
Arrhythmogenic right ventricular dysplasia 8 (ARVD8). Also called: Arrhythmogenic Right Ventricular Dysplasia/Cardiomyopathy 8; ARRHYTHMOGENIC RIGHT VENTRICULAR DYSPLASIA, FAMILIAL, 8; ARRHYTHMOGENIC RIGHT VENTRICULAR CARDIOMYOPATHY 8. Identifiers: MedGen C1843896, MONDO:0011831, OMIM 607450.

Allele frequency attached by ClinVar (database versions not stated): ExAC 0.00001; gnomAD 0.00001; 1000 Genomes Project 30x 0.00016; 1000 Genomes Project 0.00020.
gnomAD v4.1: 1 of 1,614,202 alleles (0.000062%); highest among the groups gnomAD compares: East Asian, 0.0022%; no homozygotes.

Submission:

Labcorp Genetics (formerly Invitae), Labcorp
Classification: Uncertain significance for Arrhythmogenic cardiomyopathy with wooly hair and keratoderma; Arrhythmogenic right ventricular dysplasia 8. Last evaluated: 2023-10-18. Review status: criteria provided, single submitter. Criteria: Invitae Variant Classification Sherloc (09022015). Collection method: clinical testing. Allele origin: germline.
Comment: This sequence change replaces serine, which is neutral and polar, with phenylalanine, which is neutral and non-polar, at codon 2514 of the DSP protein (p.Ser2514Phe). This variant is not present in population databases (gnomAD no frequency). This variant has not been reported in the literature in individuals affected with DSP-related conditions. An algorithm developed to predict the effect of missense changes on protein structure and function (PolyPhen-2) suggests that this variant is likely to be disruptive. In summary, the available evidence is currently insufficient to determine the role of this variant in disease. Therefore, it has been classified as a Variant of Uncertain Significance.